The following is an entry in ClinVar:

NM_201384.3(PLEC):c.10642A>G (p.Lys3548Glu)

Gene: PLEC (plectin; minus strand). Cytogenetic location: 8q24.3.
Variant type: single nucleotide variant.
Coding change: c.10642A>G on transcript NM_201384.3 (MANE Select); coding-DNA position 10642, A replaced by G.
Protein change: p.Lys3548Glu; replaces lysine 3548 with glutamic acid.
Molecular consequence: missense variant.
Genome position (GRCh38, 1-based): chr8:143,919,179, T>C on the plus strand (A>G on the coding strand, the complement: PLEC is on the minus strand). VCF-style: chr8-143919179-T-C. GRCh37 (hg19) VCF-style: chr8-144993347-T-C.
Other names: c.10546A>G, p.Lys3516Glu (NM_201381.3); c.10642A>G, p.Lys3548Glu (NM_201382.4); c.10654A>G, p.Lys3552Glu (NM_201383.3); c.10723A>G, p.Lys3575Glu (NM_000445.5); c.7342A>G, p.Lys2448Glu (NM_001410941.1); c.10600A>G, p.Lys3534Glu (NM_201378.4); c.10576A>G, p.Lys3526Glu (NM_201379.3); c.11053A>G, p.Lys3685Glu (NM_201380.4); short protein forms K2448E, K3516E, K3526E, K3534E, K3548E, K3552E, K3575E, K3685E.
Identifiers: ClinVar variation 3761210 (VCV003761210.2).

ClinVar aggregate classification (germline): Uncertain significance (1 of 4 stars; one submission).

Conditions:
Epidermolysis bullosa simplex with nail dystrophy (EBS5D). Identifiers: MedGen C4225309, MONDO:0014661, OMIM 616487.
Epidermolysis bullosa simplex, Ogna type (EBS5A). Also called: EPIDERMOLYSIS BULLOSA SIMPLEX 5A, OGNA TYPE; Pidermolysis bullosa simplex 5A, Ogna type. Identifiers: Orphanet 79401, MedGen C0432317, MONDO:0007555, OMIM 131950.
Autosomal recessive limb-girdle muscular dystrophy type 2Q (LGMDR17). Also called: MUSCULAR DYSTROPHY, LIMB-GIRDLE, AUTOSOMAL RECESSIVE 17. Identifiers: Orphanet 254361, MedGen C3150989, MONDO:0013390, OMIM 613723.
Epidermolysis bullosa simplex 5B, with muscular dystrophy (EBS5B). Also called: EPIDERMOLYSIS BULLOSA SIMPLEX AND LIMB-GIRDLE MUSCULAR DYSTROPHY; Epidermolysis bullosa simplex with muscular dystrophy. Identifiers: Orphanet 257, MedGen C2931072, MONDO:0009181, OMIM 226670.
Epidermolysis bullosa simplex 5C, with pyloric atresia (EBS5C). Also called: PLEC1-Related Epidermolysis Bullosa with Pyloric Atresia; PLEC-Related Epidermolysis Bullosa with Pyloric Atresia; Epidermolysis bullosa simplex with pyloric atresia. Identifiers: Orphanet 158684, MedGen C2677349, MONDO:0012807, OMIM 612138.

gnomAD v4.1: 10 of 1,613,468 alleles (0.00062%); highest among the groups gnomAD compares: Non-Finnish European, 0.00085%; no homozygotes.

Submission:

Labcorp Genetics (formerly Invitae), Labcorp
Classification: Uncertain significance for Autosomal recessive limb-girdle muscular dystrophy type 2Q; Epidermolysis bullosa simplex, Ogna type; Epidermolysis bullosa simplex with nail dystrophy; Epidermolysis bullosa simplex 5C, with pyloric atresia; Epidermolysis bullosa simplex 5B, with muscular dystrophy. Last evaluated: 2025-07-22. Review status: criteria provided, single submitter. Criteria: Invitae Variant Classification Sherloc (09022015). Collection method: clinical testing. Allele origin: germline.
Comment: This sequence change replaces lysine, which is basic and polar, with glutamic acid, which is acidic and polar, at codon 3575 of the PLEC protein (p.Lys3575Glu). This variant is not present in population databases (gnomAD no frequency). This variant has not been reported in the literature in individuals affected with PLEC-related conditions. ClinVar contains an entry for this variant (Variation ID: 3761210). An algorithm developed to predict the effect of missense changes on protein structure and function outputs the following: PolyPhen-2: "Benign". The glutamic acid amino acid residue is found in multiple mammalian species, which suggests that this missense change does not adversely affect protein function. In summary, the available evidence is currently insufficient to determine the role of this variant in disease. Therefore, it has been classified as a Variant of Uncertain Significance.